The following is an entry in ClinVar:

ClinVar aggregate classification (germline): Likely benign. Review status: criteria provided, single submitter (1 of 4 stars). 2 submissions from 2 submitters: Likely benign (1). 1 of the submissions does not count toward it. Last evaluated 2023-10-04.

Conditions:
MKS1-related disorder. Also called: MKS1-related condition; MKS1-related disorders. Identifiers: MedGen CN239382.
Meckel-Gruber syndrome. Also called: DYSENCEPHALIA SPLANCHNOCYSTICA; Dysencephalia splachnocystica; GRUBER SYNDROME. Identifiers: Orphanet 564, MedGen C0265215, MONDO:0018921.
Joubert syndrome. Also called: JOUBERT-BOLTSHAUSER SYNDROME; Familial aplasia of the vermis. Identifiers: Orphanet 475, MedGen C5979921, MONDO:0018772.

gnomAD v4.1: 3 of 1,614,052 alleles (0.00019%); highest among the groups gnomAD compares: Admixed American, 0.0033%; no homozygotes.

Submissions (2):

Labcorp Genetics (formerly Invitae), Labcorp
Classification: Likely benign for Joubert syndrome; Meckel-Gruber syndrome. Last evaluated: 2023-10-04. Review status: criteria provided, single submitter. Criteria: Invitae Variant Classification Sherloc (09022015). Collection method: clinical testing. Allele origin: germline.

PreventionGenetics, part of Exact Sciences
Classification: Likely benign for MKS1-related condition. Last evaluated: 2023-01-24. Review status: no assertion criteria provided. Collection method: clinical testing. Allele origin: germline. Not counted in ClinVar's aggregate classification.
Comment: This variant is classified as likely benign based on ACMG/AMP sequence variant interpretation guidelines (Richards et al. 2015 PMID: 25741868, with internal and published modifications).

NM_017777.4(MKS1):c.351G>C (p.Ser117=)

Gene: MKS1 (MKS transition zone complex subunit 1; minus strand). Cytogenetic location: 17q22.
Variant type: single nucleotide variant.
Coding change: c.351G>C on transcript NM_017777.4 (MANE Select); coding-DNA position 351, G replaced by C.
Protein change: p.Ser117=; no amino-acid change (serine 117 retained).
Molecular consequence: synonymous variant. On other transcripts: 5 prime UTR variant (1).
Genome position (GRCh38, 1-based): chr17:58,216,154, C>G on the plus strand (G>C on the coding strand, the complement: MKS1 is on the minus strand). VCF-style: chr17-58216154-C-G. GRCh37 (hg19) VCF-style: chr17-56293515-C-G.
Other names: c.-161G>C (NM_001321268.2); c.351G>C, p.Ser117= (NM_001321269.2, NM_001330397.2); c.351G>C (NM_017777.3).
Identifiers: ClinVar variation 1144062 (VCV001144062.11), dbSNP rs370781583, ClinGen allele CA292014743.